The following is an entry in ClinVar:

NM_024675.4(PALB2):c.3038T>C (p.Ile1013Thr)

Gene: PALB2 (partner and localizer of BRCA2; minus strand). Cytogenetic location: 16p12.2.
Variant type: single nucleotide variant.
Coding change: c.3038T>C on transcript NM_024675.4 (MANE Select); coding-DNA position 3038, T replaced by C.
Protein change: p.Ile1013Thr; replaces isoleucine 1013 with threonine.
Molecular consequence: missense variant.
Genome position (GRCh38, 1-based): chr16:23,621,437, A>G on the plus strand (T>C on the coding strand, the complement: PALB2 is on the minus strand). VCF-style: chr16-23621437-A-G. GRCh37 (hg19) VCF-style: chr16-23632758-A-G.
Other names: short protein forms I1013T.
Identifiers: ClinVar variation 574607 (VCV000574607.16), dbSNP rs775666266, ClinGen allele CA7963443.

ClinVar aggregate classification (germline): Uncertain significance. Review status: criteria provided, multiple submitters, no conflicts (2 of 4 stars). 3 submissions from 3 submitters: Uncertain significance (3). Last evaluated 2025-01-06.

Conditions:
Familial cancer of breast. Also called: hereditary breast carcinoma; BREAST CANCER, FAMILIAL; Hereditary breast cancer. Identifiers: Orphanet 227535, MedGen C0346153, MONDO:0016419, OMIM 114480. Disease mechanism: loss of function.
Hereditary cancer-predisposing syndrome. Also called: Neoplastic Syndromes, Hereditary; Hereditary Cancer Syndrome; Tumor predisposition; Hereditary neoplastic syndrome. Identifiers: Orphanet 140162, MedGen C0027672, MeSH D009386, MONDO:0015356.

Allele frequency attached by ClinVar (database versions not stated): gnomAD exomes below 0.00001; ExAC 0.00001; gnomAD 0.00001; TOPMed 0.00001.
gnomAD v4.1: 1 of 1,614,012 alleles (0.000062%); highest among the groups gnomAD compares: African/African-American, 0.0013%; no homozygotes.

Submissions (3):

Ambry Genetics
Classification: Uncertain significance for Hereditary cancer-predisposing syndrome. Last evaluated: 2025-01-06. Review status: criteria provided, single submitter. Criteria: Ambry Variant Classification Scheme 2023. Collection method: clinical testing. Allele origin: germline.
Comment: The p.I1013T variant (also known as c.3038T>C), located in coding exon 10 of the PALB2 gene, results from a T to C substitution at nucleotide position 3038. The isoleucine at codon 1013 is replaced by threonine, an amino acid with similar properties. This amino acid position is not well conserved in available vertebrate species. In addition, this alteration is predicted to be tolerated by in silico analysis. Since supporting evidence is limited at this time, the clinical significance of this alteration remains unclear.

Labcorp Genetics (formerly Invitae), Labcorp
Classification: Uncertain significance for Familial cancer of breast. Last evaluated: 2024-05-12. Review status: criteria provided, single submitter. Criteria: Invitae Variant Classification Sherloc (09022015). Collection method: clinical testing. Allele origin: germline.
Comment: This sequence change replaces isoleucine, which is neutral and non-polar, with threonine, which is neutral and polar, at codon 1013 of the PALB2 protein (p.Ile1013Thr). This variant is present in population databases (rs775666266, gnomAD 0.01%). This variant has not been reported in the literature in individuals affected with PALB2-related conditions. ClinVar contains an entry for this variant (Variation ID: 574607). Advanced modeling of protein sequence and biophysical properties (such as structural, functional, and spatial information, amino acid conservation, physicochemical variation, residue mobility, and thermodynamic stability) has been performed at Invitae for this missense variant, however the output from this modeling did not meet the statistical confidence thresholds required to predict the impact of this variant on PALB2 protein function. In summary, the available evidence is currently insufficient to determine the role of this variant in disease. Therefore, it has been classified as a Variant of Uncertain Significance.

St. Jude Molecular Pathology, St. Jude Children's Research Hospital
Classification: Uncertain significance for Familial cancer of breast. Last evaluated: 2023-03-16. Review status: criteria provided, single submitter. Criteria: St. Jude Assertion Criteria 2020. Collection method: clinical testing. Allele origin: germline.
Comment: The PALB2 c.3038T>C (p.Ile1013Thr) missense change has a maximum subpopulation frequency of 0.0062% in gnomAD v2.1.1. The in silico tool REVEL predicts a benign effect on protein function, but to our knowledge this prediction has not been confirmed by functional studies. This variant is absent in a database of women older than 70 years of age who have never had cancer (FLOSSIES). To our knowledge, this variant has not been reported in individuals with Fanconi anemia. In summary, the evidence currently available is insufficient to determine the clinical significance of this variant. It has therefore been classified as of uncertain significance.